The following is an entry in ClinVar:

NM_001287.6(CLCN7):c.1365A>C (p.Ala455=)

Gene: CLCN7 (chloride voltage-gated channel 7; minus strand). Cytogenetic location: 16p13.3.
Variant type: single nucleotide variant.
Coding change: c.1365A>C on transcript NM_001287.6 (MANE Select); coding-DNA position 1365, A replaced by C.
Protein change: p.Ala455=; no amino-acid change (alanine 455 retained).
Molecular consequence: synonymous variant.
Genome position (GRCh38, 1-based): chr16:1,451,705, T>G on the plus strand (A>C on the coding strand, the complement: CLCN7 is on the minus strand). VCF-style: chr16-1451705-T-G. GRCh37 (hg19) VCF-style: chr16-1501706-T-G.
Other names: c.1293A>C, p.Ala431= (NM_001114331.3).
Identifiers: ClinVar variation 2992440 (VCV002992440.3), dbSNP rs747258055, ClinGen allele CA7810280.

ClinVar aggregate classification (germline): Uncertain significance (1 of 4 stars; one submission).

Allele frequency attached by ClinVar (database versions not stated): TOPMed below 0.00001; gnomAD exomes 0.00001; ExAC 0.00002.

Submission:

Labcorp Genetics (formerly Invitae), Labcorp
Classification: Uncertain significance. Last evaluated: 2023-03-14. Review status: criteria provided, single submitter. Criteria: Invitae Variant Classification Sherloc (09022015). Collection method: clinical testing. Allele origin: germline.
Comment: This variant is present in population databases (rs747258055, gnomAD 0.004%). In summary, the available evidence is currently insufficient to determine the role of this variant in disease. Therefore, it has been classified as a Variant of Uncertain Significance. Algorithms developed to predict the effect of sequence changes on RNA splicing suggest that this variant may disrupt the consensus splice site. This variant has not been reported in the literature in individuals affected with CLCN7-related conditions. This sequence change affects codon 455 of the CLCN7 mRNA. It is a 'silent' change, meaning that it does not change the encoded amino acid sequence of the CLCN7 protein.